The following is an entry in ClinVar:

ClinVar aggregate classification (germline): Uncertain significance (1 of 4 stars; one submission).

Conditions:
Saldino-Mainzer syndrome (SRTD9). Also called: CONORENAL SYNDROME; SHORT-RIB THORACIC DYSPLASIA 9 WITHOUT POLYDACTYLY; short-rib thoracic dysplasia 9 with or without polydactyly; Renal dysplasia, retinal pigmentary dystrophy, cerebellar ataxia and skeletal dysplasia. Identifiers: Orphanet 140969, MedGen C1849437, MONDO:0009964, OMIM 266920.

Submission:

Labcorp Genetics (formerly Invitae), Labcorp
Classification: Uncertain significance for Saldino-Mainzer syndrome. Last evaluated: 2024-08-13. Review status: criteria provided, single submitter. Criteria: Invitae Variant Classification Sherloc (09022015). Collection method: clinical testing. Allele origin: germline.
Comment: This sequence change replaces glycine, which is neutral and non-polar, with arginine, which is basic and polar, at codon 379 of the IFT140 protein (p.Gly379Arg). This variant is not present in population databases (gnomAD no frequency). This variant has not been reported in the literature in individuals affected with IFT140-related conditions. ClinVar contains an entry for this variant (Variation ID: 962058). Invitae Evidence Modeling of protein sequence and biophysical properties (such as structural, functional, and spatial information, amino acid conservation, physicochemical variation, residue mobility, and thermodynamic stability) indicates that this missense variant is not expected to disrupt IFT140 protein function with a negative predictive value of 80%. In summary, the available evidence is currently insufficient to determine the role of this variant in disease. Therefore, it has been classified as a Variant of Uncertain Significance.

NM_014714.4(IFT140):c.1135G>C (p.Gly379Arg)

Genes: IFT140 (intraflagellar transport 140; minus strand), LOC105371046 (uncharacterized LOC105371046; plus strand). Cytogenetic location: 16p13.3.
Variant type: single nucleotide variant.
Coding change: c.1135G>C on transcript NM_014714.4 (MANE Select); coding-DNA position 1135, G replaced by C.
Protein change: p.Gly379Arg; replaces glycine 379 with arginine.
Molecular consequence: missense variant.
Genome position (GRCh38, 1-based): chr16:1,586,150, C>G on the plus strand (G>C on the coding strand, the complement: IFT140 is on the minus strand). VCF-style: chr16-1586150-C-G. GRCh37 (hg19) VCF-style: chr16-1636151-C-G.
Other names: short protein forms G379R.
Identifiers: ClinVar variation 962058 (VCV000962058.9), dbSNP rs2034865826, ClinGen allele CA394215735.
Genomic context (GRCh38, chr16:1,586,150, plus strand): 5'-AGCAGAAAATGAGTGCACCGAACACCCTTGGAGGCTGTACCTGGATTTGCGTGATGTTTC[C>G]TTGGAGCTCGGTAGGGGTCTGAAGGGCCCACCTGTCCTTGCCCTCTGCCCCGGGGCTGCC-3'
Protein context (NP_055529.2, residues 369-389): WALQTPTELQ[Gly379Arg]NITQIQWGSR